The following is an entry in ClinVar:

NM_000092.5(COL4A4):c.198A>G (p.Pro66=)

Gene: COL4A4 (collagen type IV alpha 4 chain; minus strand). Cytogenetic location: 2q36.3.
Variant type: single nucleotide variant.
Coding change: c.198A>G on transcript NM_000092.5 (MANE Select); coding-DNA position 198, A replaced by G.
Protein change: p.Pro66=; no amino-acid change (proline 66 retained).
Molecular consequence: synonymous variant.
Genome position (GRCh38, 1-based): chr2:227,121,143, T>C on the plus strand (A>G on the coding strand, the complement: COL4A4 is on the minus strand). VCF-style: chr2-227121143-T-C. GRCh37 (hg19) VCF-style: chr2-227985859-T-C.
Other names: p.Pro66=.
Identifiers: ClinVar variation 447182 (VCV000447182.28), dbSNP rs147947155, ClinGen allele CA2145744.
Genomic context (GRCh38, chr2:227,121,143, plus strand): 5'-CCCAATGGGTCCTGGGGCTCCCAGGGGTCCAATTGGACCCTGTGGCCCTGGTGGTCCTGG[T>C]GGACCCTGAGAAGGAAGATTAAAAAGAAATGGGGGTGCAATTCTTAATTACTGTCTTCTA-3'
Protein context (NP_000083.3, residues 56-76): HCVPEKGSRG[Pro66=]PGPPGPQGPI

ClinVar aggregate classification (germline): Benign/Likely benign. Review status: criteria provided, multiple submitters, no conflicts (2 of 4 stars). 9 submissions from 9 submitters: Benign (5); Likely benign (3). 1 of the submissions does not count toward it. Last evaluated 2026-01-31.

Conditions:
Kidney disorder. Also called: renal disorder; Kidney disease; Kidney Diseases; Nephropathy; renal disease. Identifiers: MedGen C0022658, MONDO:0005240, HP:0000112.
Alport syndrome. Also called: Hemorrhagic familial nephritis; Hemorrhagic hereditary nephritis; Congenital hereditary hematuria. Identifiers: Orphanet 63, MedGen C1567741, MONDO:0018965.

Allele frequency attached by ClinVar (database versions not stated): 1000 Genomes Project 0.00479; 1000 Genomes Project 30x 0.00484; gnomAD 0.00624 and 0.00681; ESP Exome Variant Server 0.00677; TOPMed 0.00679.
gnomAD v4.1: 1,958 of 1,613,988 alleles (0.12%); highest among the groups gnomAD compares: African/African-American, 2.2%; 21 homozygotes.

Submissions (9):

Labcorp Genetics (formerly Invitae), Labcorp
Classification: Benign. Last evaluated: 2026-01-31. Review status: criteria provided, single submitter. Criteria: Invitae Variant Classification Sherloc (09022015). Collection method: clinical testing. Allele origin: germline.

Mayo Clinic Laboratories, Mayo Clinic
Classification: Benign. Last evaluated: 2024-06-03. Review status: criteria provided, single submitter. Criteria: ACMG Guidelines, 2015. Collection method: clinical testing. Allele origin: germline. Observed: 4 variant alleles.
Comment: BS1, BS2, BP4, BP7

Genome Diagnostics Laboratory, The Hospital for Sick Children
Classification: Likely benign for Kidney disorder. Last evaluated: 2019-12-01. Review status: criteria provided, single submitter. Criteria: ACMG Guidelines, 2015. Collection method: clinical testing. Allele origin: germline.

GeneDx
Classification: Benign. Last evaluated: 2019-02-07. Review status: criteria provided, single submitter. Criteria: GeneDx Variant Classification Process June 2021. Collection method: clinical testing. Allele origin: germline. Affected: yes.

Illumina Laboratory Services, Illumina
Classification: Likely benign for Alport syndrome. Last evaluated: 2018-01-12. Review status: criteria provided, single submitter. Criteria: ICSL Variant Classification Criteria 13 December 2019. Collection method: clinical testing. Allele origin: germline.
Comment: This variant was observed in the ICSL laboratory as part of a predisposition screen in an ostensibly healthy population. It had not been previously curated by ICSL or reported in the Human Gene Mutation Database (HGMD: prior to June 1st, 2018), and was therefore a candidate for classification through an automated scoring system. Utilizing variant allele frequency, disease prevalence and penetrance estimates, and inheritance mode, an automated score was calculated to assess if this variant is too frequent to cause the disease. Based on the score and internal cut-off values, a variant classified as likely benign is not then subjected to further curation. The score for this variant resulted in a classification of likely benign for this disease.

Athena Diagnostics
Classification: Benign. Last evaluated: 2016-11-08. Review status: criteria provided, single submitter. Criteria: Athena Diagnostics Criteria. Collection method: clinical testing. Allele origin: germline.

Laboratory for Molecular Medicine, Mass General Brigham Personalized Medicine
Classification: Benign. Last evaluated: 2016-03-21. Review status: criteria provided, single submitter. Criteria: LMM Criteria. Collection method: clinical testing. Allele origin: germline. Observed: 1 variant allele.
Comment: p.Pro66Pro in exon 5 of COL4A4: This variant is not expected to have clinical si gnificance because it does not alter an amino acid residue, is not located withi n the splice consensus sequence, and has been identified in 2.05% (194/9478) of African chromosomes by the Exome Aggregation Consortium (ExAC; dbSNP rs147947155).

Breakthrough Genomics
Classification: Likely benign. Review status: criteria provided, single submitter. Criteria: ACMG Guidelines, 2015. Collection method: not provided. Allele origin: germline. Inheritance: Autosomal recessive inheritance. Affected: yes.

Natera, Inc.
Classification: Benign for Alport syndrome. Last evaluated: 2019-12-03. Review status: no assertion criteria provided. Collection method: clinical testing. Allele origin: germline. Not counted in ClinVar's aggregate classification.